The following is an entry in ClinVar:

ClinVar aggregate classification (germline): Uncertain significance (1 of 4 stars; one submission).

Conditions:
Hereditary cancer-predisposing syndrome. Also called: Hereditary neoplastic syndrome; Tumor predisposition; Hereditary Cancer Syndrome; Neoplastic Syndromes, Hereditary. Identifiers: Orphanet 140162, MedGen C0027672, MeSH D009386, MONDO:0015356.

Submission:

Ambry Genetics
Classification: Uncertain significance for Hereditary cancer-predisposing syndrome. Last evaluated: 2023-07-27. Review status: criteria provided, single submitter. Criteria: Ambry Variant Classification Scheme 2023. Collection method: clinical testing. Allele origin: germline.
Comment: The p.I175L variant (also known as c.523A>C), located in coding exon 3 of the FLCN gene, results from an A to C substitution at nucleotide position 523. The isoleucine at codon 175 is replaced by leucine, an amino acid with highly similar properties. This amino acid position is conserved. In addition, the in silico prediction for this alteration is inconclusive. Since supporting evidence is limited at this time, the clinical significance of this alteration remains unclear.

NM_144997.7(FLCN):c.523A>C (p.Ile175Leu)

Gene: FLCN (folliculin; minus strand). Cytogenetic location: 17p11.2.
Variant type: single nucleotide variant.
Coding change: c.523A>C on transcript NM_144997.7 (MANE Select); coding-DNA position 523, A replaced by C.
Protein change: p.Ile175Leu; replaces isoleucine 175 with leucine.
Molecular consequence: missense variant.
Genome position (GRCh38, 1-based): chr17:17,224,017, T>G on the plus strand (A>C on the coding strand, the complement: FLCN is on the minus strand). VCF-style: chr17-17224017-T-G. GRCh37 (hg19) VCF-style: chr17-17127331-T-G.
Other names: c.577A>C, p.Ile193Leu (NM_001353229.2); c.523A>C, p.Ile175Leu (NM_001353230.2, NM_001353231.2, NM_144606.7); short protein forms I193L, I175L.
Identifiers: ClinVar variation 2586499 (VCV002586499.2), dbSNP rs1410036494, ClinGen allele CA398534368.
Genomic context (GRCh38, chr17:17,224,017, plus strand): 5'-CCCGGACCTTCCCCAGCAGGAAGGGCCAGGAGTTGATGAGGTAGATCCGGTCCATCATGA[T>G]GGTGATGATGCTGTACCAGCGCTGGAAGCCCCTGGCCAGGCTGTCCTTGATGAAGAAGGT-3'
Protein context (NP_659434.2, residues 165-185): GFQRWYSIIT[Ile175Leu]MMDRIYLINS